The following is an entry in ClinVar:

NM_001162501.2(TNRC6B):c.3383C>G (p.Thr1128Ser)

Gene: TNRC6B (trinucleotide repeat containing adaptor 6B; plus strand). Cytogenetic location: 22q13.1.
Variant type: single nucleotide variant.
Coding change: c.3383C>G on transcript NM_001162501.2 (MANE Select); coding-DNA position 3383, C replaced by G.
Protein change: p.Thr1128Ser; replaces threonine 1128 with serine.
Molecular consequence: missense variant.
Genome position (GRCh38, 1-based): chr22:40,280,115, C>G. VCF-style: chr22-40280115-C-G. GRCh37 (hg19) VCF-style: chr22-40676119-C-G.
Other names: c.1142C>G, p.Thr381Ser (NM_001024843.2); c.3224C>G, p.Thr1075Ser (NM_015088.3); short protein forms T1075S, T1128S, T381S.
Identifiers: ClinVar variation 2443665 (VCV002443665.1), dbSNP rs2518004415, ClinGen allele CA411650425.

ClinVar aggregate classification (germline): Uncertain significance (1 of 4 stars; one submission).

Submission:

GeneDx
Classification: Uncertain significance. Last evaluated: 2022-09-12. Review status: criteria provided, single submitter. Criteria: GeneDx Variant Classification Process June 2021. Collection method: clinical testing. Allele origin: germline. Affected: yes.
Comment: Not observed at significant frequency in large population cohorts (gnomAD); In silico analysis supports that this missense variant does not alter protein structure/function; Has not been previously published as pathogenic or benign to our knowledge